The following is an entry in ClinVar:

NM_019032.6(ADAMTSL4):c.2279C>T (p.Ser760Leu)

Gene: ADAMTSL4 (ADAMTS like 4; plus strand). Cytogenetic location: 1q21.2.
Variant type: single nucleotide variant.
Coding change: c.2279C>T on transcript NM_019032.6 (MANE Select); coding-DNA position 2279, C replaced by T.
Protein change: p.Ser760Leu; replaces serine 760 with leucine.
Molecular consequence: missense variant.
Genome position (GRCh38, 1-based): chr1:150,558,046, C>T. VCF-style: chr1-150558046-C-T. GRCh37 (hg19) VCF-style: chr1-150530522-C-T.
Other names: c.2162C>T, p.Ser721Leu (NM_001288607.2); c.2348C>T, p.Ser783Leu (NM_001288608.2); c.2279C>T, p.Ser760Leu (NM_001378596.1, NM_025008.5); short protein forms S721L, S760L, S783L.
Identifiers: ClinVar variation 875328 (VCV000875328.9), dbSNP rs146017344, ClinGen allele CA1078608.

ClinVar aggregate classification (germline): Uncertain significance. Review status: criteria provided, multiple submitters, no conflicts (2 of 4 stars). 5 submissions from 4 submitters: Uncertain significance (5). Last evaluated 2023-05-15.

Conditions:
Inborn genetic diseases. Identifiers: MedGen C0950123, MeSH D030342.
Ectopia lentis et pupillae. Also called: ECTOPIA LENTIS WITH ECTOPIA OF PUPIL. Identifiers: Orphanet 1885, MedGen C1644196, MONDO:0009153, OMIM 225200.
Ectopia lentis 2, isolated, autosomal recessive (ECTOL2). Identifiers: Orphanet 1885, MedGen C3541474, MONDO:0009152, OMIM 225100.

Allele frequency attached by ClinVar (database versions not stated): ExAC 0.00012; gnomAD exomes 0.00012 and 0.00015; ESP Exome Variant Server 0.00015; TOPMed 0.00017; gnomAD 0.00019 and 0.00020.
gnomAD v4.1: 213 of 1,612,902 alleles (0.013%); highest among the groups gnomAD compares: African/African-American, 0.057%; no homozygotes.

Submissions (5):

Ambry Genetics
Classification: Uncertain significance for Inborn genetic diseases. Last evaluated: 2023-05-15. Review status: criteria provided, single submitter. Criteria: Ambry Variant Classification Scheme 2023. Collection method: clinical testing. Allele origin: germline.

Genome-Nilou Lab
Classification: Uncertain significance for Ectopia lentis et pupillae. Last evaluated: 2023-04-11. Review status: criteria provided, single submitter. Criteria: ACMG Guidelines, 2015. Collection method: clinical testing. Allele origin: germline. Affected: no.

Genome-Nilou Lab
Classification: Uncertain significance for Ectopia lentis 2, isolated, autosomal recessive. Last evaluated: 2023-04-11. Review status: criteria provided, single submitter. Criteria: ACMG Guidelines, 2015. Collection method: clinical testing. Allele origin: germline. Affected: no.

Labcorp Genetics (formerly Invitae), Labcorp
Classification: Uncertain significance. Last evaluated: 2022-08-09. Review status: criteria provided, single submitter. Criteria: Invitae Variant Classification Sherloc (09022015). Collection method: clinical testing. Allele origin: germline.
Comment: This sequence change replaces serine, which is neutral and polar, with leucine, which is neutral and non-polar, at codon 760 of the ADAMTSL4 protein (p.Ser760Leu). This variant is present in population databases (rs146017344, gnomAD 0.06%). This variant has not been reported in the literature in individuals affected with ADAMTSL4-related conditions. ClinVar contains an entry for this variant (Variation ID: 875328). Algorithms developed to predict the effect of missense changes on protein structure and function (SIFT, PolyPhen-2, Align-GVGD) all suggest that this variant is likely to be disruptive. In summary, the available evidence is currently insufficient to determine the role of this variant in disease. Therefore, it has been classified as a Variant of Uncertain Significance.

Illumina Laboratory Services, Illumina
Classification: Uncertain significance for Ectopia lentis 2, isolated, autosomal recessive. Last evaluated: 2018-01-13. Review status: criteria provided, single submitter. Criteria: ICSL Variant Classification Criteria 13 December 2019. Collection method: clinical testing. Allele origin: germline.